The following is an entry in ClinVar:

ClinVar aggregate classification (germline): Uncertain significance (1 of 4 stars; one submission).

Submission:

GeneDx
Classification: Uncertain significance. Last evaluated: 2022-12-28. Review status: criteria provided, single submitter. Criteria: GeneDx Variant Classification Process June 2021. Collection method: clinical testing. Allele origin: germline. Affected: yes.
Comment: Not observed at significant frequency in large population cohorts (gnomAD); In silico analysis supports that this missense variant has a deleterious effect on protein structure/function; Has not been previously published as pathogenic or benign to our knowledge; This variant is associated with the following publications: (PMID: Gordon2000[Book])

NM_000136.3(FANCC):c.923C>A (p.Ala308Asp)

Genes: AOPEP (aminopeptidase O (putative); plus strand), FANCC (FA complementation group C; minus strand). Cytogenetic location: 9q22.32.
Variant type: single nucleotide variant.
Coding change: c.923C>A on transcript NM_000136.3 (MANE Select); coding-DNA position 923, C replaced by A.
Protein change: p.Ala308Asp; replaces alanine 308 with aspartic acid.
Molecular consequence: missense variant.
Genome position (GRCh38, 1-based): chr9:95,125,159, G>T on the plus strand (C>A on the coding strand, the complement: FANCC is on the minus strand). VCF-style: chr9-95125159-G-T. GRCh37 (hg19) VCF-style: chr9-97887441-G-T.
Other names: c.923C>A, p.Ala308Asp (NM_001243743.2, NM_001243744.2); short protein forms A308D.
Identifiers: ClinVar variation 2507256 (VCV002507256.1), dbSNP rs2134923964, ClinGen allele CA374108982.
Genomic context (GRCh38, chr9:95,125,159, plus strand): 5'-TTCTCCAGAGCTTCTACAAAGCACTGCGTAAACACCTGAATAGTGGCTATGATTTCCAGG[G>T]CCCCATCGGTTTCCAGGAGTGCACACCTGAACAATGCAAAGTCAGATCAGAACACGTTTA-3'
Protein context (NP_000127.2, residues 298-318): FRCALLETDG[Ala308Asp]LEIIATIQVF